The following is an entry in ClinVar:

NM_005068.3(SIM1):c.989A>G (p.Tyr330Cys)

Gene: SIM1 (SIM bHLH transcription factor 1; minus strand). Cytogenetic location: 6q16.3.
Variant type: single nucleotide variant.
Coding change: c.989A>G on transcript NM_005068.3 (MANE Select); coding-DNA position 989, A replaced by G.
Protein change: p.Tyr330Cys; replaces tyrosine 330 with cysteine.
Molecular consequence: missense variant.
Genome position (GRCh38, 1-based): chr6:100,447,277, T>C on the plus strand (A>G on the coding strand, the complement: SIM1 is on the minus strand). VCF-style: chr6-100447277-T-C. GRCh37 (hg19) VCF-style: chr6-100895153-T-C.
Other names: c.989A>G, p.Tyr330Cys (NM_001374769.1); short protein forms Y330C.
Identifiers: ClinVar variation 1696981 (VCV001696981.2), dbSNP rs2114538856, ClinGen allele CA365121735.

ClinVar aggregate classification (germline): Uncertain significance (1 of 4 stars; one submission).

Allele frequency attached by ClinVar (database versions not stated): gnomAD exomes 0.00001.
gnomAD v4.1: 3 of 1,614,166 alleles (0.00019%); highest among the groups gnomAD compares: East Asian, 0.0022%; no homozygotes.

Submission:

GeneDx
Classification: Uncertain significance. Last evaluated: 2022-01-12. Review status: criteria provided, single submitter. Criteria: GeneDx Variant Classification Process June 2021. Collection method: clinical testing. Allele origin: germline. Affected: yes.
Comment: Not observed at significant frequency in large population cohorts (gnomAD); In silico analysis supports that this missense variant has a deleterious effect on protein structure/function; Has not been previously published as pathogenic or benign to our knowledge